The following is an entry in ClinVar:

ClinVar aggregate classification (germline): Uncertain significance (1 of 4 stars; one submission).

Conditions:
Epilepsy. Also called: Seizure disorder. Identifiers: MedGen C0014544, MeSH D004827, MONDO:0005027.

Allele frequency attached by ClinVar (database versions not stated): gnomAD 0.00001.

Submission:

Labcorp Genetics (formerly Invitae), Labcorp
Classification: Uncertain significance for Epilepsy. Last evaluated: 2022-07-03. Review status: criteria provided, single submitter. Criteria: Invitae Variant Classification Sherloc (09022015). Collection method: clinical testing. Allele origin: germline.
Comment: In summary, the available evidence is currently insufficient to determine the role of this variant in disease. Therefore, it has been classified as a Variant of Uncertain Significance. Algorithms developed to predict the effect of missense changes on protein structure and function output the following: SIFT: "Tolerated"; PolyPhen-2: "Benign"; Align-GVGD: "Class C0". The asparagine amino acid residue is found in multiple mammalian species, which suggests that this missense change does not adversely affect protein function. This variant has not been reported in the literature in individuals affected with PIGQ-related conditions. This variant is not present in population databases (gnomAD no frequency). This sequence change replaces serine, which is neutral and polar, with asparagine, which is neutral and polar, at codon 76 of the PIGQ protein (p.Ser76Asn).

NM_004204.5(PIGQ):c.227G>A (p.Ser76Asn)

Gene: PIGQ (phosphatidylinositol glycan anchor biosynthesis class Q; plus strand). Cytogenetic location: 16p13.3.
Variant type: single nucleotide variant.
Coding change: c.227G>A on transcript NM_004204.5 (MANE Select); coding-DNA position 227, G replaced by A.
Protein change: p.Ser76Asn; replaces serine 76 with asparagine.
Molecular consequence: missense variant.
Genome position (GRCh38, 1-based): chr16:574,301, G>A. VCF-style: chr16-574301-G-A. GRCh37 (hg19) VCF-style: chr16-624301-G-A.
Other names: c.227G>A, p.Ser76Asn (NM_148920.4); short protein forms S76N.
Identifiers: ClinVar variation 2166353 (VCV002166353.4), dbSNP rs2151044285, ClinGen allele CA394046983.